The following is an entry in ClinVar:

ClinVar aggregate classification (germline): Uncertain significance. Review status: criteria provided, multiple submitters, no conflicts (2 of 4 stars). 2 submissions from 2 submitters: Uncertain significance (2). Last evaluated 2025-07-28.

Conditions:
Inborn genetic diseases. Identifiers: MedGen C0950123, MeSH D030342.
Neutropenia, severe congenital, 1, autosomal dominant. Identifiers: MedGen C1859966, MONDO:0042490, OMIM 202700.
Cyclical neutropenia. Also called: Cyclic Neutropenia; Cyclic hematopoiesis. Identifiers: Orphanet 2686, MedGen C0221023, MONDO:0008090, OMIM 162800, HP:0040289. Disease mechanism: loss of function.

Submissions (2):

Ambry Genetics
Classification: Uncertain significance for Inborn genetic diseases. Last evaluated: 2025-07-28. Review status: criteria provided, single submitter. Criteria: Ambry Variant Classification Scheme 2023. Collection method: clinical testing. Allele origin: germline.
Comment: The p.V77I variant (also known as c.229G>A), located in coding exon 3 of the ELANE gene, results from a G to A substitution at nucleotide position 229. The valine at codon 77 is replaced by isoleucine, an amino acid with highly similar properties. This amino acid position is conserved. In addition, this alteration is predicted to be tolerated by in silico analysis. Based on the available evidence, the clinical significance of this variant remains unclear.

Labcorp Genetics (formerly Invitae), Labcorp
Classification: Uncertain significance for Neutropenia, severe congenital, 1, autosomal dominant; Cyclical neutropenia. Last evaluated: 2023-03-14. Review status: criteria provided, single submitter. Criteria: Invitae Variant Classification Sherloc (09022015). Collection method: clinical testing. Allele origin: germline.
Comment: Advanced modeling of protein sequence and biophysical properties (such as structural, functional, and spatial information, amino acid conservation, physicochemical variation, residue mobility, and thermodynamic stability) has been performed at Invitae for this missense variant, however the output from this modeling did not meet the statistical confidence thresholds required to predict the impact of this variant on ELANE protein function. In summary, the available evidence is currently insufficient to determine the role of this variant in disease. Therefore, it has been classified as a Variant of Uncertain Significance. This variant has not been reported in the literature in individuals affected with ELANE-related conditions. This variant is not present in population databases (gnomAD no frequency). This sequence change replaces valine, which is neutral and non-polar, with isoleucine, which is neutral and non-polar, at codon 77 of the ELANE protein (p.Val77Ile).

NM_001972.4(ELANE):c.229G>A (p.Val77Ile)

Gene: ELANE (elastase, neutrophil expressed; plus strand). Cytogenetic location: 19p13.3.
Variant type: single nucleotide variant.
Coding change: c.229G>A on transcript NM_001972.4 (MANE Select); coding-DNA position 229, G replaced by A.
Protein change: p.Val77Ile; replaces valine 77 with isoleucine.
Molecular consequence: missense variant.
Genome position (GRCh38, 1-based): chr19:853,266, G>A. VCF-style: chr19-853266-G-A. GRCh37 (hg19) VCF-style: chr19-853266-G-A.
Other names: short protein forms V77I.
Identifiers: ClinVar variation 2930990 (VCV002930990.4), dbSNP rs2512165131, ClinGen allele CA402915106.
Genomic context (GRCh38, chr19:853,266, plus strand): 5'-GGCTGAGCCCCGACCCCCGGGGCCGCCCCTGAGCCCCGCCTCTCCCTCCCCGGCAGAAAC[G>A]TCCGCGCGGTGCGGGTGGTCCTGGGAGCCCATAACCTCTCGCGGCGGGAGCCCACCCGGC-3'
Protein context (NP_001963.1, residues 67-87): SAAHCVANVN[Val77Ile]RAVRVVLGAH